The following is an entry in ClinVar:

NM_000096.4(CP):c.3118T>C (p.Cys1040Arg)

Gene: CP (ceruloplasmin; minus strand). Cytogenetic location: 3q24.
Variant type: single nucleotide variant.
Coding change: c.3118T>C on transcript NM_000096.4 (MANE Select); coding-DNA position 3118, T replaced by C.
Protein change: p.Cys1040Arg; replaces cysteine 1040 with arginine.
Molecular consequence: missense variant.
Genome position (GRCh38, 1-based): chr3:149,176,313, A>G on the plus strand (T>C on the coding strand, the complement: CP is on the minus strand). VCF-style: chr3-149176313-A-G. GRCh37 (hg19) VCF-style: chr3-148894100-A-G.
Other names: short protein forms C1040R.
Identifiers: ClinVar variation 2101531 (VCV002101531.4), dbSNP rs2472723019, ClinGen allele CA354928405.
Genomic context (GRCh38, chr3:149,176,313, plus strand): 5'-CATTTTGTAGAACGGTGTAAGTGGTTTCCATTCCAGCATGAATGTGGTCGGTCACATGGC[A>G]GTGGAGTAACCAAATTCCAGGTGTTCTTGGAAACATTTCTAGGGTTTGGTATGTTCCAGG-3'
Protein context (NP_000087.2, residues 1030-1050): PRTPGIWLLH[Cys1040Arg]HVTDHIHAGM

ClinVar aggregate classification (germline): Uncertain significance (1 of 4 stars; one submission).

Conditions:
Deficiency of ferroxidase (ACEP). Also called: NEURODEGENERATION WITH BRAIN IRON ACCUMULATION 10; Aceruloplasminemia; Ceruloplasmin deficiency; Familial apoceruloplasmin deficiency; Hereditary ceruloplasmin deficiency; Deficiency of ceruloplasmin. Identifiers: Orphanet 48818, MedGen C0878682, MONDO:0011426, OMIM 604290, HP:0025498.

Submission:

Labcorp Genetics (formerly Invitae), Labcorp
Classification: Uncertain significance for Deficiency of ferroxidase. Last evaluated: 2022-02-22. Review status: criteria provided, single submitter. Criteria: Invitae Variant Classification Sherloc (09022015). Collection method: clinical testing. Allele origin: germline.
Comment: This sequence change replaces cysteine, which is neutral and slightly polar, with arginine, which is basic and polar, at codon 1040 of the CP protein (p.Cys1040Arg). This variant is not present in population databases (gnomAD no frequency). This variant has not been reported in the literature in individuals affected with CP-related conditions. Advanced modeling of protein sequence and biophysical properties (such as structural, functional, and spatial information, amino acid conservation, physicochemical variation, residue mobility, and thermodynamic stability) performed at Invitae indicates that this missense variant is expected to disrupt CP protein function. In summary, the available evidence is currently insufficient to determine the role of this variant in disease. Therefore, it has been classified as a Variant of Uncertain Significance.